The following is an entry in ClinVar:

ClinVar aggregate classification (germline): Pathogenic (1 of 4 stars; one submission).

Submission:

Quest Diagnostics Nichols Institute San Juan Capistrano
Classification: Pathogenic. Last evaluated: 2025-04-15. Review status: criteria provided, single submitter. Criteria: Quest Diagnostics criteria. Collection method: clinical testing. Allele origin: unknown.
Comment: A deletion of a portion of exon 56 (c.8218_8268) in the ATM gene is predicted to disrupt the translation reading frame of the ATM mRNA and result in the premature termination of ATM protein synthesis. In the published literature, a similar overlapping deletion of a portion of exon 56 in the ATM gene has been reported in an individual with ataxia-telangiectasia (PMID: 26896183 (2016)). This variant has not been reported in large, multi-ethnic general populations (Genome Aggregation Database). Based on the available information, this variant is classified as pathogenic.

Single allele

Gene: ATM (ATM serine/threonine kinase; plus strand). Cytogenetic location: 11q22.3.
Variant type: Deletion.
Identifiers: ClinVar variation 4533177 (VCV004533177.1).